The following is an entry in ClinVar:

NM_001365536.1(SCN9A):c.1659T>G (p.Ser553Arg)

Genes: SCN9A (sodium voltage-gated channel alpha subunit 9; minus strand), SCN1A-AS1 (SCN1A and SCN9A antisense RNA 1; plus strand). Cytogenetic location: 2q24.3.
Variant type: single nucleotide variant.
Coding change: c.1659T>G on transcript NM_001365536.1 (MANE Select); coding-DNA position 1659, T replaced by G.
Protein change: p.Ser553Arg; replaces serine 553 with arginine.
Molecular consequence: missense variant.
Genome position (GRCh38, 1-based): chr2:166,284,768, A>C on the plus strand (T>G on the coding strand, the complement: SCN9A is on the minus strand). VCF-style: chr2-166284768-A-C. GRCh37 (hg19) VCF-style: chr2-167141278-A-C.
Other names: c.1659T>G, p.Ser553Arg (NM_002977.4); short protein forms S553R.
Identifiers: ClinVar variation 1432635 (VCV001432635.6), dbSNP rs1157408645, ClinGen allele CA349083833.

ClinVar aggregate classification (germline): Uncertain significance (1 of 4 stars; one submission).

Conditions:
Generalized epilepsy with febrile seizures plus, type 7 (GEFSP7). Also called: GEFS+, TYPE 7. Identifiers: Orphanet 36387, MedGen C2751778, MONDO:0013470, OMIM 613863.
Neuropathy, hereditary sensory and autonomic, type 2A (HSAN2A). Also called: HSAN IIA; ACROOSTEOLYSIS, GIACCAI TYPE; ACROOSTEOLYSIS, NEUROGENIC; NEUROPATHY, CONGENITAL SENSORY; NEUROPATHY, HEREDITARY SENSORY RADICULAR, AUTOSOMAL RECESSIVE; NEUROPATHY, HEREDITARY SENSORY, TYPE IIA. Identifiers: Orphanet 970, MedGen C2752089, MONDO:0024309, OMIM 201300.

Submission:

Labcorp Genetics (formerly Invitae), Labcorp
Classification: Uncertain significance for Neuropathy, hereditary sensory and autonomic, type 2A; Generalized epilepsy with febrile seizures plus, type 7. Last evaluated: 2024-10-23. Review status: criteria provided, single submitter. Criteria: Invitae Variant Classification Sherloc (09022015). Collection method: clinical testing. Allele origin: germline.
Comment: This sequence change replaces serine, which is neutral and polar, with arginine, which is basic and polar, at codon 553 of the SCN9A protein (p.Ser553Arg). This variant is not present in population databases (gnomAD no frequency). This variant has not been reported in the literature in individuals affected with SCN9A-related conditions. ClinVar contains an entry for this variant (Variation ID: 1432635). Invitae Evidence Modeling of protein sequence and biophysical properties (such as structural, functional, and spatial information, amino acid conservation, physicochemical variation, residue mobility, and thermodynamic stability) indicates that this missense variant is not expected to disrupt SCN9A protein function with a negative predictive value of 95%. In summary, the available evidence is currently insufficient to determine the role of this variant in disease. Therefore, it has been classified as a Variant of Uncertain Significance.